The following is an entry in ClinVar:

NM_002890.3(RASA1):c.656C>G (p.Ser219Ter)

Genes: CCNH (cyclin H; minus strand), RASA1 (RAS p21 protein activator 1; plus strand). Cytogenetic location: 5q14.3.
Variant type: single nucleotide variant.
Coding change: c.656C>G on transcript NM_002890.3 (MANE Select); coding-DNA position 656, C replaced by G.
Protein change: p.Ser219Ter; replaces serine 219 with a stop codon.
Molecular consequence: nonsense. On other transcripts: intron variant (1).
Genome position (GRCh38, 1-based): chr5:87,331,464, C>G. VCF-style: chr5-87331464-C-G. GRCh37 (hg19) VCF-style: chr5-86627281-C-G.
Other names: c.125C>G, p.Ser42Ter (NM_022650.3); c.934-18669G>C (NM_001364075.2); short protein forms S219*, S42*.
Identifiers: ClinVar variation 464870 (VCV000464870.11), dbSNP rs1554044823, ClinGen allele CA360376170.
Genomic context (GRCh38, chr5:87,331,464, plus strand): 5'-GGAAGTCTGGCAGTTATCTTATAAGAGAGAGTGATCGGAGGCCAGGGTCCTTTGTACTTT[C>G]ATTTCTTAGCCAGATGAATGTTGTCAACCATTTTAGGTAAGTCTTTATTCCTATTATGAA-3'

ClinVar aggregate classification (germline): Pathogenic. Review status: criteria provided, multiple submitters, no conflicts (2 of 4 stars). 2 submissions from 2 submitters: Pathogenic (2). Last evaluated 2025-07-03.

Conditions:
Capillary malformation-arteriovenous malformation syndrome. Also called: Capillary malformation-arteriovenous malformation. Identifiers: Orphanet 137667, MedGen C1842180, MONDO:0012016.
Basal cell carcinoma, susceptibility to, 1. Also called: BCC1. Identifiers: MedGen C2751544, MONDO:0011556, OMIM 605462.
Capillary malformation-arteriovenous malformation 1 (CMAVM1). Identifiers: Orphanet 137667, Orphanet 693907, MedGen C4747394, MONDO:0020783, OMIM 608354.

gnomAD v4.1: 1 of 1,613,870 alleles (0.000062%); highest among the groups gnomAD compares: Non-Finnish European, 0.000085%; no homozygotes.

Submissions (2):

Labcorp Genetics (formerly Invitae), Labcorp
Classification: Pathogenic for Capillary malformation-arteriovenous malformation syndrome. Last evaluated: 2025-07-03. Review status: criteria provided, single submitter. Criteria: Invitae Variant Classification Sherloc (09022015). Collection method: clinical testing. Allele origin: germline.
Comment: This sequence change creates a premature translational stop signal (p.Ser219*) in the RASA1 gene. It is expected to result in an absent or disrupted protein product. Loss-of-function variants in RASA1 are known to be pathogenic (PMID: 24038909). This variant is not present in population databases (gnomAD no frequency). This variant has not been reported in the literature in individuals affected with RASA1-related conditions. ClinVar contains an entry for this variant (Variation ID: 464870). For these reasons, this variant has been classified as Pathogenic.

Fulgent Genetics
Classification: Pathogenic for Basal cell carcinoma, susceptibility to, 1; Capillary malformation-arteriovenous malformation 1. Last evaluated: 2018-10-31. Review status: criteria provided, single submitter. Criteria: ACMG Guidelines, 2015. Collection method: clinical testing. Allele origin: unknown.

Literature cited by the submitters: PubMed 24038909 (cited by Labcorp Genetics (formerly Invitae), Labcorp).